The following is an entry in ClinVar:

NM_006662.3(SRCAP):c.8920C>T (p.Pro2974Ser)

Gene: SRCAP (Snf2 related CREBBP activator protein; plus strand). Cytogenetic location: 16p11.2.
Variant type: single nucleotide variant.
Coding change: c.8920C>T on transcript NM_006662.3 (MANE Select); coding-DNA position 8920, C replaced by T.
Protein change: p.Pro2974Ser; replaces proline 2974 with serine.
Molecular consequence: missense variant.
Genome position (GRCh38, 1-based): chr16:30,738,960, C>T. VCF-style: chr16-30738960-C-T. GRCh37 (hg19) VCF-style: chr16-30750281-C-T.
Other names: c.8920C>T (NM_006662.2); short protein forms P2974S.
Identifiers: ClinVar variation 2416056 (VCV002416056.7), dbSNP rs867037721, ClinGen allele CA280525191.

ClinVar aggregate classification (germline): Uncertain significance. Review status: criteria provided, multiple submitters, no conflicts (2 of 4 stars). 2 submissions from 2 submitters: Uncertain significance (2). Last evaluated 2025-05-01.

Conditions:
Inborn genetic diseases. Identifiers: MedGen C0950123, MeSH D030342.

gnomAD v4.1: 4 of 1,613,624 alleles (0.00025%); highest among the groups gnomAD compares: Middle Eastern, 0.066%; no homozygotes.

Submissions (2):

Ambry Genetics
Classification: Uncertain significance for Inborn genetic diseases. Last evaluated: 2025-05-01. Review status: criteria provided, single submitter. Criteria: Ambry Variant Classification Scheme 2023. Collection method: clinical testing. Allele origin: germline.

Labcorp Genetics (formerly Invitae), Labcorp
Classification: Uncertain significance. Last evaluated: 2024-09-05. Review status: criteria provided, single submitter. Criteria: Invitae Variant Classification Sherloc (09022015). Collection method: clinical testing. Allele origin: germline.
Comment: This sequence change replaces proline, which is neutral and non-polar, with serine, which is neutral and polar, at codon 2974 of the SRCAP protein (p.Pro2974Ser). This variant is not present in population databases (gnomAD no frequency). This variant has not been reported in the literature in individuals affected with SRCAP-related conditions. ClinVar contains an entry for this variant (Variation ID: 2416056). Invitae Evidence Modeling of protein sequence and biophysical properties (such as structural, functional, and spatial information, amino acid conservation, physicochemical variation, residue mobility, and thermodynamic stability) indicates that this missense variant is not expected to disrupt SRCAP protein function with a negative predictive value of 80%. In summary, the available evidence is currently insufficient to determine the role of this variant in disease. Therefore, it has been classified as a Variant of Uncertain Significance.